The following is an entry in ClinVar:

ClinVar aggregate classification (germline): Uncertain significance. Review status: criteria provided, multiple submitters, no conflicts (2 of 4 stars). 6 submissions from 6 submitters: Uncertain significance (6). Last evaluated 2026-02-17.

Conditions:
Cardiomyopathy (CMYO). Also called: Cardiomyopathies. Identifiers: Orphanet 167848, MedGen C0878544, MONDO:0004994, HP:0001638. Inheritance: Various modes of inheritance.
Arrhythmogenic cardiomyopathy with wooly hair and keratoderma. Also called: PALMOPLANTAR KERATODERMA WITH LEFT VENTRICULAR CARDIOMYOPATHY AND WOOLLY HAIR; Arrhythmogenic cardiomyopathy with woolly hair and keratoderma; Dilated cardiomyopathy with woolly hair and keratoderma; Carvajal syndrome. Identifiers: Orphanet 65282, MedGen C1854063, MONDO:0011581, OMIM 605676.
Cardiovascular phenotype. Identifiers: MedGen CN230736.
Woolly hair-skin fragility syndrome (WHSF). Identifiers: Orphanet 293165, MedGen C1843292, MONDO:0957307, OMIM 620415.
Cardiomyopathy, dilated, with wooly hair, keratoderma, and tooth agenesis. Also called: Erythrokeratodermia-cardiomyopathy syndrome; Cardiomyopathy, dilated, with woolly hair, keratoderma, and tooth agenesis. Identifiers: Orphanet 476096, Orphanet 65282, MedGen C4014393, MONDO:0014355, OMIM 615821.
Lethal acantholytic epidermolysis bullosa (EBLA). Identifiers: Orphanet 158687, MedGen C1864826, MONDO:0012323, OMIM 609638.
Arrhythmogenic right ventricular dysplasia 8 (ARVD8). Also called: Arrhythmogenic Right Ventricular Dysplasia/Cardiomyopathy 8; ARRHYTHMOGENIC RIGHT VENTRICULAR CARDIOMYOPATHY 8; ARRHYTHMOGENIC RIGHT VENTRICULAR DYSPLASIA, FAMILIAL, 8. Identifiers: MedGen C1843896, MONDO:0011831, OMIM 607450.
Keratosis palmoplantaris striata 2. Also called: KERATODERMA, PALMOPLANTAR, STRIATE FORM II; STRIATE PALMOPLANTAR KERATODERMA II; Keratosis palmoplantaris striata II. Identifiers: MedGen C1852127, MONDO:0013034, OMIM 612908.

Allele frequency attached by ClinVar (database versions not stated): gnomAD 0.00003 and 0.00004; TOPMed 0.00003.
gnomAD v4.1: 5 of 1,614,054 alleles (0.00031%); highest among the groups gnomAD compares: African/African-American, 0.0067%; no homozygotes.

Submissions (6):

Ambry Genetics
Classification: Uncertain significance for Cardiovascular phenotype. Last evaluated: 2026-02-17. Review status: criteria provided, single submitter. Criteria: Ambry Variant Classification Scheme 2023. Collection method: clinical testing. Allele origin: germline.

Labcorp Genetics (formerly Invitae), Labcorp
Classification: Uncertain significance for Arrhythmogenic cardiomyopathy with wooly hair and keratoderma; Arrhythmogenic right ventricular dysplasia 8. Last evaluated: 2025-12-23. Review status: criteria provided, single submitter. Criteria: Invitae Variant Classification Sherloc (09022015). Collection method: clinical testing. Allele origin: germline.
Comment: This sequence change replaces threonine, which is neutral and polar, with isoleucine, which is neutral and non-polar, at codon 2657 of the DSP protein (p.Thr2657Ile). This variant is not present in population databases (gnomAD no frequency). This variant has not been reported in the literature in individuals affected with DSP-related conditions. ClinVar contains an entry for this variant (Variation ID: 927361). An algorithm developed to predict the effect of missense changes on protein structure and function (PolyPhen-2) suggests that this variant is likely to be disruptive. In summary, the available evidence is currently insufficient to determine the role of this variant in disease. Therefore, it has been classified as a Variant of Uncertain Significance.

GeneDx
Classification: Uncertain significance. Last evaluated: 2025-03-14. Review status: criteria provided, single submitter. Criteria: GeneDx Variant Classification Process June 2021. Collection method: clinical testing. Allele origin: germline. Affected: yes.
Comment: Not observed at significant frequency in large population cohorts (gnomAD); In silico analysis supports that this missense variant has a deleterious effect on protein structure/function; Has not been previously published as pathogenic or benign to our knowledge

Color Diagnostics, LLC DBA Color Health
Classification: Uncertain significance for Cardiomyopathy. Last evaluated: 2024-03-06. Review status: criteria provided, single submitter. Criteria: ACMG Guidelines, 2015. Collection method: clinical testing. Allele origin: germline.
Comment: This missense variant replaces threonine with isoleucine at codon 2657 of the DSP protein. Computational prediction suggests that this variant may have deleterious impact on protein structure and function (internally defined REVEL score threshold >= 0.7, PMID: 27666373). To our knowledge, functional studies have not been reported for this variant. This variant has not been reported in individuals affected with DSP-related disorders in the literature. This variant has not been identified in the general population by the Genome Aggregation Database (gnomAD). The available evidence is insufficient to determine the role of this variant in disease conclusively. Therefore, this variant is classified as a Variant of Uncertain Significance.

All of Us Research Program, National Institutes of Health
Classification: Uncertain significance for Arrhythmogenic cardiomyopathy with wooly hair and keratoderma. Last evaluated: 2023-11-30. Review status: criteria provided, single submitter. Criteria: ACMG Guidelines, 2015. Collection method: clinical testing. Allele origin: germline. Inheritance: Autosomal dominant inheritance. Observed: 4 variant alleles, 4 heterozygotes.
Comment: This missense variant replaces threonine with isoleucine at codon 2657 of the DSP protein. Computational prediction suggests that this variant may have deleterious impact on protein structure and function (internally defined REVEL score threshold >= 0.7, PMID: 27666373). To our knowledge, functional studies have not been reported for this variant. This variant has not been reported in individuals affected with DSP-related disorders in the literature. This variant has not been identified in the general population by the Genome Aggregation Database (gnomAD). The available evidence is insufficient to determine the role of this variant in disease conclusively. Therefore, this variant is classified as a Variant of Uncertain Significance.

This study involves interpretation of variants in research participants for the purpose of population health screening. Participant phenotype was not available at the time of variant classification. Additional details can be found in publication PMID: 35346344, PMCID: PMC8962531

Fulgent Genetics
Classification: Uncertain significance for Arrhythmogenic cardiomyopathy with wooly hair and keratoderma; Arrhythmogenic right ventricular dysplasia 8; Lethal acantholytic epidermolysis bullosa; Keratosis palmoplantaris striata 2; Cardiomyopathy, dilated, with wooly hair, keratoderma, and tooth agenesis. Last evaluated: 2021-08-04. Review status: criteria provided, single submitter. Criteria: ACMG Guidelines, 2015. Collection method: clinical testing. Allele origin: unknown.

NM_004415.4(DSP):c.7970C>T (p.Thr2657Ile)

Gene: DSP (desmoplakin; plus strand). Cytogenetic location: 6p24.3.
Variant type: single nucleotide variant.
Coding change: c.7970C>T on transcript NM_004415.4 (MANE Select); coding-DNA position 7970, C replaced by T.
Protein change: p.Thr2657Ile; replaces threonine 2657 with isoleucine.
Molecular consequence: missense variant.
Genome position (GRCh38, 1-based): chr6:7,585,232, C>T. VCF-style: chr6-7585232-C-T. GRCh37 (hg19) VCF-style: chr6-7585465-C-T.
Other names: c.6173C>T, p.Thr2058Ile (NM_001008844.3); c.6641C>T, p.Thr2214Ile (NM_001319034.2); short protein forms T2657I, T2214I, T2058I.
Identifiers: ClinVar variation 927361 (VCV000927361.21), dbSNP rs1478775642, ClinGen allele CA362694171.